The following is an entry in ClinVar:

ClinVar aggregate classification (germline): Uncertain significance (1 of 4 stars; one submission).

Conditions:
Inborn genetic diseases. Identifiers: MedGen C0950123, MeSH D030342.

Submission:

Ambry Genetics
Classification: Uncertain significance for Inborn genetic diseases. Last evaluated: 2022-08-01. Review status: criteria provided, single submitter. Criteria: Ambry Variant Classification Scheme 2023. Collection method: clinical testing. Allele origin: germline.
Comment: The p.T568R variant (also known as c.1703C>G), located in coding exon 12 of the EPAS1 gene, results from a C to G substitution at nucleotide position 1703. The threonine at codon 568 is replaced by arginine, an amino acid with similar properties. This amino acid position is conserved. In addition, this alteration is predicted to be tolerated by in silico analysis. Since supporting evidence is limited at this time, the clinical significance of this alteration remains unclear.

NM_001430.5(EPAS1):c.1703C>G (p.Thr568Arg)

Gene: EPAS1 (endothelial PAS domain protein 1; plus strand). Cytogenetic location: 2p21.
Variant type: single nucleotide variant.
Coding change: c.1703C>G on transcript NM_001430.5 (MANE Select); coding-DNA position 1703, C replaced by G.
Protein change: p.Thr568Arg; replaces threonine 568 with arginine.
Molecular consequence: missense variant.
Genome position (GRCh38, 1-based): chr2:46,380,375, C>G. VCF-style: chr2-46380375-C-G. GRCh37 (hg19) VCF-style: chr2-46607514-C-G.
Other names: short protein forms T568R.
Identifiers: ClinVar variation 1778393 (VCV001778393.2), dbSNP rs1684858654, ClinGen allele CA346704707.
Genomic context (GRCh38, chr2:46,380,375, plus strand): 5'-AGGAGCGGCTCTTGGCGGAGAACCCACAGTCCACCCCCCAGCACTGCTTCAGTGCCATGA[C>G]AAACATCTTCCAGCCACTGGCCCCTGTAGCCCCGCACAGTCCCTTCCTCCTGGACAAGTT-3'
Protein context (NP_001421.2, residues 558-578): STPQHCFSAM[Thr568Arg]NIFQPLAPVA